The following is an entry in ClinVar:

ClinVar aggregate classification (germline): Uncertain significance (1 of 4 stars; one submission).

Conditions:
Rhabdoid tumor predisposition syndrome 2 (RTPS2). Identifiers: Orphanet 231108, Orphanet 69077, MedGen C2750074, MONDO:0013224, OMIM 613325.

Submission:

Labcorp Genetics (formerly Invitae), Labcorp
Classification: Uncertain significance for Rhabdoid tumor predisposition syndrome 2. Last evaluated: 2023-10-25. Review status: criteria provided, single submitter. Criteria: Invitae Variant Classification Sherloc (09022015). Collection method: clinical testing. Allele origin: germline.
Comment: This sequence change replaces valine, which is neutral and non-polar, with leucine, which is neutral and non-polar, at codon 325 of the SMARCA4 protein (p.Val325Leu). This variant is not present in population databases (gnomAD no frequency). This variant has not been reported in the literature in individuals affected with SMARCA4-related conditions. Advanced modeling of protein sequence and biophysical properties (such as structural, functional, and spatial information, amino acid conservation, physicochemical variation, residue mobility, and thermodynamic stability) performed at Invitae indicates that this missense variant is not expected to disrupt SMARCA4 protein function with a negative predictive value of 95%. In summary, the available evidence is currently insufficient to determine the role of this variant in disease. Therefore, it has been classified as a Variant of Uncertain Significance.

NM_003072.5(SMARCA4):c.973G>C (p.Val325Leu)

Gene: SMARCA4 (SWI/SNF related BAF chromatin remodeling complex subunit ATPase 4; plus strand). Cytogenetic location: 19p13.2.
Variant type: single nucleotide variant.
Coding change: c.973G>C on transcript NM_003072.5 (MANE Select); coding-DNA position 973, G replaced by C.
Protein change: p.Val325Leu; replaces valine 325 with leucine.
Molecular consequence: missense variant. On other transcripts: non-coding transcript variant (1).
Genome position (GRCh38, 1-based): chr19:10,987,779, G>C. VCF-style: chr19-10987779-G-C. GRCh37 (hg19) VCF-style: chr19-11098455-G-C.
Other names: c.973G>C, p.Val325Leu (NM_001128844.3, NM_001128845.2, NM_001128846.2 and 6 more transcripts); short protein forms V325L.
Identifiers: ClinVar variation 2708078 (VCV002708078.3), dbSNP rs1361910224, ClinGen allele CA404058553.